The following is an entry in ClinVar:

ClinVar aggregate classification (germline): Uncertain significance. Review status: criteria provided, multiple submitters, no conflicts (2 of 4 stars). 2 submissions from 2 submitters: Uncertain significance (2). Last evaluated 2025-11-13.

Conditions:
Neurofibromatosis, type 1 (NF1). Also called: NEUROFIBROMATOSIS, TYPE I, SOMATIC; Peripheral type neurofibromatosis; Neurofibromatosis, type I; VON RECKLINGHAUSEN DISEASE. Identifiers: Orphanet 636, MedGen C0027831, MONDO:0018975, OMIM 162200. Disease mechanism: loss of function.
Hereditary cancer-predisposing syndrome. Also called: Neoplastic Syndromes, Hereditary; Tumor predisposition; Hereditary Cancer Syndrome; Hereditary neoplastic syndrome. Identifiers: Orphanet 140162, MedGen C0027672, MeSH D009386, MONDO:0015356.
Cardiovascular phenotype. Identifiers: MedGen CN230736.

Submissions (2):

Labcorp Genetics (formerly Invitae), Labcorp
Classification: Uncertain significance for Neurofibromatosis, type 1. Last evaluated: 2025-11-13. Review status: criteria provided, single submitter. Criteria: Invitae Variant Classification Sherloc (09022015). Collection method: clinical testing. Allele origin: germline.
Comment: This sequence change replaces leucine, which is neutral and non-polar, with phenylalanine, which is neutral and non-polar, at codon 2584 of the NF1 protein (p.Leu2584Phe). This variant is not present in population databases (gnomAD no frequency). This variant has not been reported in the literature in individuals affected with NF1-related conditions. ClinVar contains an entry for this variant (Variation ID: 4119200). Invitae Evidence Modeling of protein sequence and biophysical properties (such as structural, functional, and spatial information, amino acid conservation, physicochemical variation, residue mobility, and thermodynamic stability) has been performed for this missense variant. However, the output from this modeling did not meet the statistical confidence thresholds required to predict the impact of this variant on NF1 protein function. In summary, the available evidence is currently insufficient to determine the role of this variant in disease. Therefore, it has been classified as a Variant of Uncertain Significance.

Ambry Genetics
Classification: Uncertain significance for Cardiovascular phenotype; Hereditary cancer-predisposing syndrome. Last evaluated: 2025-08-08. Review status: criteria provided, single submitter. Criteria: Ambry Variant Classification Scheme 2023. Collection method: clinical testing. Allele origin: germline.

NM_001042492.3(NF1):c.7815G>C (p.Leu2605Phe)

Gene: NF1 (neurofibromin 1; plus strand). Cytogenetic location: 17q11.2.
Variant type: single nucleotide variant.
Coding change: c.7815G>C on transcript NM_001042492.3 (MANE Select); coding-DNA position 7815, G replaced by C.
Protein change: p.Leu2605Phe; replaces leucine 2605 with phenylalanine.
Molecular consequence: missense variant.
Genome position (GRCh38, 1-based): chr17:31,357,036, G>C. VCF-style: chr17-31357036-G-C. GRCh37 (hg19) VCF-style: chr17-29684054-G-C.
Other names: c.7752G>C, p.Leu2584Phe (NM_000267.4); short protein forms L2605F, L2584F.
Identifiers: ClinVar variation 4119200 (VCV004119200.2).